The following is an entry in ClinVar:

NM_032638.5(GATA2):c.560C>G (p.Thr187Ser)

Gene: GATA2 (GATA binding protein 2; minus strand). Cytogenetic location: 3q21.3.
Variant type: single nucleotide variant.
Coding change: c.560C>G on transcript NM_032638.5 (MANE Select); coding-DNA position 560, C replaced by G.
Protein change: p.Thr187Ser; replaces threonine 187 with serine.
Molecular consequence: missense variant.
Genome position (GRCh38, 1-based): chr3:128,486,038, G>C on the plus strand (C>G on the coding strand, the complement: GATA2 is on the minus strand). VCF-style: chr3-128486038-G-C. GRCh37 (hg19) VCF-style: chr3-128204881-G-C.
Other names: c.560C>G, p.Thr187Ser (NM_001145661.2, NM_001145662.1); short protein forms T187S.
Identifiers: ClinVar variation 472459 (VCV000472459.8), dbSNP rs1553770972, ClinGen allele CA354406514.

ClinVar aggregate classification (germline): Uncertain significance (1 of 4 stars; one submission).

Conditions:
Monocytopenia with susceptibility to infections. Also called: MONOCYTOPENIA AND MYCOBACTERIAL INFECTION SYNDROME; MONOCYTOPENIA WITH SUSCEPTIBILITY TO MYCOBACTERIAL, FUNGAL, AND PAPILLOMAVIRUS INFECTIONS AND MYELODYSPLASIA; COMBINED IMMUNODEFICIENCY WITH SUSCEPTIBILITY TO MYCOBACTERIAL, VIRAL, AND FUNGAL INFECTIONS; Dendritic cell, monocyte, B lymphocyte, and natural killer lymphocyte deficiency; IMMUNODEFICIENCY 21; GATA2 DEFICIENCY. Identifiers: Orphanet 228423, MedGen C3280030, MONDO:0013607, OMIM 614172.
Deafness-lymphedema-leukemia syndrome. Also called: Lymphedema, primary, with myelodysplasia; Emberger syndrome. Identifiers: Orphanet 3226, MedGen C3279664, MONDO:0013540, OMIM 614038.

Submission:

Labcorp Genetics (formerly Invitae), Labcorp
Classification: Uncertain significance for Monocytopenia with susceptibility to infections; Deafness-lymphedema-leukemia syndrome. Last evaluated: 2017-01-31. Review status: criteria provided, single submitter. Criteria: Invitae Variant Classification Sherloc (09022015). Collection method: clinical testing. Allele origin: germline.
Comment: In summary, this variant is a novel missense change with uncertain impact on protein function. It has been classified as a Variant of Uncertain Significance. Algorithms developed to predict the effect of sequence changes on RNA splicing suggest that this variant may alter RNA splicing, but this prediction has not been confirmed by published transcriptional studies. Algorithms developed to predict the effect of missense changes on protein structure and function (SIFT, PolyPhen-2, Align-GVGD) all suggest that this variant is likely to be tolerated, but these predictions have not been confirmed by published functional studies. This variant is not present in population databases (ExAC no frequency) and has not been reported in the literature in individuals with a GATA2-related disease. This sequence change replaces threonine with serine at codon 187 of the GATA2 protein (p.Thr187Ser). The threonine residue is weakly conserved and there is a small physicochemical difference between threonine and serine.